The following is an entry in ClinVar:

NM_006231.4(POLE):c.1811A>C (p.Lys604Thr)

Gene: POLE (DNA polymerase epsilon, catalytic subunit; minus strand). Cytogenetic location: 12q24.33.
Variant type: single nucleotide variant.
Coding change: c.1811A>C on transcript NM_006231.4 (MANE Select); coding-DNA position 1811, A replaced by C.
Protein change: p.Lys604Thr; replaces lysine 604 with threonine.
Molecular consequence: missense variant.
Genome position (GRCh38, 1-based): chr12:132,668,923, T>G on the plus strand (A>C on the coding strand, the complement: POLE is on the minus strand). VCF-style: chr12-132668923-T-G. GRCh37 (hg19) VCF-style: chr12-133245509-T-G.
Other names: short protein forms K604T.
Identifiers: ClinVar variation 3647640 (VCV003647640.2).

ClinVar aggregate classification (germline): Uncertain significance (1 of 4 stars; one submission).

Submission:

Labcorp Genetics (formerly Invitae), Labcorp
Classification: Uncertain significance. Last evaluated: 2024-03-27. Review status: criteria provided, single submitter. Criteria: Invitae Variant Classification Sherloc (09022015). Collection method: clinical testing. Allele origin: germline.
Comment: This sequence change replaces lysine, which is basic and polar, with threonine, which is neutral and polar, at codon 604 of the POLE protein (p.Lys604Thr). This variant is not present in population databases (gnomAD no frequency). This variant has not been reported in the literature in individuals affected with POLE-related conditions. Advanced modeling of protein sequence and biophysical properties (such as structural, functional, and spatial information, amino acid conservation, physicochemical variation, residue mobility, and thermodynamic stability) performed at Invitae indicates that this missense variant is not expected to disrupt POLE protein function with a negative predictive value of 80%. In summary, the available evidence is currently insufficient to determine the role of this variant in disease. Therefore, it has been classified as a Variant of Uncertain Significance.